The following is an entry in ClinVar:

ClinVar aggregate classification (germline): Likely benign. Review status: criteria provided, multiple submitters, no conflicts (2 of 4 stars). 4 submissions from 4 submitters: Likely benign (4). Last evaluated 2026-01-22.

Conditions:
SIX5-related disorder. Also called: SIX5-related condition.

Allele frequency attached by ClinVar (database versions not stated): TOPMed 0.00003; gnomAD 0.00005 and 0.00006; gnomAD exomes 0.00009 and 0.00010.

Submissions (4):

PreventionGenetics, part of Exact Sciences
Classification: Likely benign for SIX5-related condition. Last evaluated: 2026-01-22. Review status: criteria provided, single submitter. Criteria: ACMG Guidelines, 2015. Collection method: clinical testing. Allele origin: germline.
Comment: This variant is classified as likely benign based on ACMG/AMP sequence variant interpretation guidelines (Richards et al. 2015 PMID: 25741868, with internal and published modifications).

Labcorp Genetics (formerly Invitae), Labcorp
Classification: Likely benign. Last evaluated: 2024-11-05. Review status: criteria provided, single submitter. Criteria: Invitae Variant Classification Sherloc (09022015). Collection method: clinical testing. Allele origin: germline.

Blueprint Genetics
Classification: Likely benign. Last evaluated: 2022-07-20. Review status: criteria provided, single submitter. Criteria: ACMG Guidelines, 2015. Collection method: clinical testing. Allele origin: germline.

GeneDx
Classification: Likely benign. Last evaluated: 2015-03-23. Review status: criteria provided, single submitter. Criteria: GeneDx Variant Classification (06012015). Collection method: clinical testing. Allele origin: germline. Affected: yes.
Comment: This variant is considered likely benign or benign based on one or more of the following criteria: it is a conservative change, it occurs at a poorly conserved position in the protein, it is predicted to be benign by multiple in silico algorithms, and/or has population frequency not consistent with disease.

NM_175875.5(SIX5):c.1392G>A (p.Thr464=)

Gene: SIX5 (SIX homeobox 5; minus strand). Cytogenetic location: 19q13.32.
Variant type: single nucleotide variant.
Coding change: c.1392G>A on transcript NM_175875.5 (MANE Select); coding-DNA position 1392, G replaced by A.
Protein change: p.Thr464=; no amino-acid change (threonine 464 retained).
Molecular consequence: synonymous variant.
Genome position (GRCh38, 1-based): chr19:45,766,567, C>T on the plus strand (G>A on the coding strand, the complement: SIX5 is on the minus strand). VCF-style: chr19-45766567-C-T. GRCh37 (hg19) VCF-style: chr19-46269825-C-T.
Identifiers: ClinVar variation 379295 (VCV000379295.5), dbSNP rs962337294, ClinGen allele CA16609007.
Genomic context (GRCh38, chr19:45,766,567, plus strand): 5'-CACCTGTGAGGTGGGTACTACCTGGGGCAGGTTCAATAGTGGGGAGGTGGGGCTCAGGCC[C>T]GTGGGATACCCCGGGGGTGGGGAGAGCGGTACCACTTGTGGGGCAGCCACAGCAGGCACT-3'
Protein context (NP_787071.3, residues 454-474): VPLSPPPGYP[Thr464=]GLSPTSPLLN